The following is an entry in ClinVar:

ClinVar aggregate classification (germline): Conflicting classifications of pathogenicity. Review status: criteria provided, conflicting classifications (1 of 4 stars). 5 submissions from 5 submitters: Likely pathogenic (2); Uncertain significance (2). 1 of the submissions does not count toward it. Last evaluated 2025-11-19.

Conditions:
Hyperinsulinemic hypoglycemia, familial, 1 (HHF1). Also called: HYPERINSULINISM, FAMILIAL, WITH PANCREATIC NESIDIOBLASTOSIS; HYPOGLYCEMIA, HYPERINSULINEMIC, OF INFANCY; Persistent hyperinsulinemic hypoglycemia of infancy; NESIDIOBLASTOSIS OF PANCREAS; Persistent Hyperinsulinemia Hypoglycemia of Infancy. Identifiers: Orphanet 276575, Orphanet 276598, MedGen C2931832, MONDO:0009734, OMIM 256450.
Diabetes mellitus, transient neonatal, 2 (TNDM2). Identifiers: Orphanet 99886, MedGen C1835887, MONDO:0012480, OMIM 610374. Disease mechanism: loss of function.
Diabetes mellitus, permanent neonatal 3. Also called: ABCC8-Related Permanent Neonatal Diabetes Mellitus. Identifiers: MedGen C5394303, MONDO:0030088, OMIM 618857.
Leucine-induced hypoglycemia (LIH). Also called: LEUCINE-SENSITIVE HYPOGLYCEMIA OF INFANCY. Identifiers: MedGen C0271714, MONDO:0009415, OMIM 240800.
Type 2 diabetes mellitus. Also called: Type II diabetes mellitus. Identifiers: MedGen C0011860, MeSH D003924, MONDO:0005148, OMIM 125853, HP:0005978.
Hereditary hyperinsulinism.

Allele frequency attached by ClinVar (database versions not stated): gnomAD exomes below 0.00001 and 0.00004; ExAC 0.00001; TOPMed 0.00002; ESP Exome Variant Server 0.00008.

Submissions (5):

Labcorp Genetics (formerly Invitae), Labcorp
Classification: Likely pathogenic. Last evaluated: 2025-11-19. Review status: criteria provided, single submitter. Criteria: Invitae Variant Classification Sherloc (09022015). Collection method: clinical testing. Allele origin: germline.
Comment: This sequence change falls in intron 16 of the ABCC8 gene. It does not directly change the encoded amino acid sequence of the ABCC8 protein. This variant is present in population databases (rs377174421, gnomAD 0.0009%). This variant has been observed in individual(s) with autosomal recessive familial hyperinsulinism and/or clinical features of paternally inherited focal hyperinsulinism (PMID: 28442472, 34336745). In at least one individual the data is consistent with being in trans (on the opposite chromosome) from a pathogenic variant. ClinVar contains an entry for this variant (Variation ID: 558288). Algorithms developed to predict the effect of sequence changes on RNA splicing suggest that this variant is not likely to affect RNA splicing. In summary, the currently available evidence indicates that the variant is pathogenic, but additional data are needed to prove that conclusively. Therefore, this variant has been classified as Likely Pathogenic.

Natera, Inc.
Classification: Likely pathogenic for Hereditary hyperinsulinism. Last evaluated: 2025-08-07. Review status: criteria provided, single submitter. Criteria: Natera Variant Classification Schema (03/2026). Collection method: clinical testing. Allele origin: germline.
Comment: The c.2222+15C>A variant in ABCC8 is an intronic variant located outside the canonical splice sites. This variant is rare in the general population with a frequency below the threshold expected for the associated phenotype(s). This variant has been observed in one or more individuals affected with the associated recessive disease, as either homozygous or compound heterozygous with a second variant (PMID: 28442472). Multiple computational prediction algorithms suggest this variant is unlikely to affect gene or protein function. Given the available evidence, this variant is classified as Likely Pathogenic.

Broad Center for Mendelian Genomics, Broad Institute of MIT and Harvard
Classification: Uncertain significance for Hyperinsulinemic hypoglycemia, familial, 1. Last evaluated: 2025-04-24. Review status: criteria provided, single submitter. Criteria: ACMG Guidelines, 2015. Collection method: curation. Allele origin: germline. Inheritance: Autosomal recessive inheritance.
Comment: The c.2222+15C>A variant in ABCC8 has been previously reported in at least 3 individuals with hyperinsulinemic hypoglycemia (PMID: 28442472, 34336745), and has been seen in 0.005% (56/1179598) of European (non-Finnish) chromosomes by the Genome Aggregation Database (gnomAD; dbSNP: rs377174421). Although this variant has been seen in the general population in a heterozygous state, its frequency is low enough to be consistent with a recessive carrier frequency. This variant has also been reported in ClinVar (VCV000558288.6) and has been interpreted as likely pathogenic by Labcorp Genetics and as a variant of uncertain significance by Fulgent Genetics and Counsyl. This variant is located in the 3’ splice region. Computational tools do not suggest an impact to splicing. However, this information is not predictive enough to rule out pathogenicity. In summary, the clinical significance of the c.2222+15C>A variant is uncertain. ACMG/AMP Criteria applied: PM3, PM2_supporting (Richards 2015).

Fulgent Genetics
Classification: Uncertain significance for Type 2 diabetes mellitus; Leucine-induced hypoglycemia; Hyperinsulinemic hypoglycemia, familial, 1; Diabetes mellitus, transient neonatal, 2; Diabetes mellitus, permanent neonatal 3. Last evaluated: 2022-04-18. Review status: criteria provided, single submitter. Criteria: ACMG Guidelines, 2015. Collection method: clinical testing. Allele origin: unknown.

Counsyl
Classification: Uncertain significance for Hyperinsulinemic hypoglycemia, familial, 1. Last evaluated: 2018-05-11. Review status: no assertion criteria provided. Collection method: clinical testing. Allele origin: unknown. Not counted in ClinVar's aggregate classification.

Literature cited by the submitters: PubMed 28442472 (cited by 4 submitters); PubMed 34336745 (cited by Labcorp Genetics (formerly Invitae), Labcorp and Broad Center for Mendelian Genomics, Broad Institute of MIT and Harvard).

NM_000352.6(ABCC8):c.2222+15C>A

Gene: ABCC8 (ATP binding cassette subfamily C member 8; minus strand). Cytogenetic location: 11p15.1.
Variant type: single nucleotide variant.
Coding change: c.2222+15C>A on transcript NM_000352.6 (MANE Select); 15 bases into the intron after coding-DNA position 2222, C replaced by A.
Molecular consequence: intron variant.
Genome position (GRCh38, 1-based): chr11:17,427,034, G>T on the plus strand (C>A on the coding strand, the complement: ABCC8 is on the minus strand). VCF-style: chr11-17427034-G-T. GRCh37 (hg19) VCF-style: chr11-17448581-G-T.
Other names: c.2219+15C>A (NM_001351297.2, NM_001351296.2); c.2288+15C>A (NM_001351295.2); c.2222+15C>A (NM_001287174.3, NM_000352.4).
Identifiers: ClinVar variation 558288 (VCV000558288.10), dbSNP rs377174421, ClinGen allele CA5903263.